The following is an entry in ClinVar:

ClinVar aggregate classification (germline): Uncertain significance (1 of 4 stars; one submission).

Conditions:
Hereditary spastic paraplegia 30. Identifiers: Orphanet 101010, MedGen C5235139, MONDO:0012476.
Neuropathy, hereditary sensory, type 2C. Also called: Hereditary sensory and autonomic neuropathy type IIC; KIF1A-Related HSAN2 (HSAN2C). Identifiers: Orphanet 970, MedGen C3280168, MONDO:0013634, OMIM 614213.
Intellectual disability, autosomal dominant 9 (NESCAVS). Also called: NESCAV SYNDROME; KIF1A-Related Neurodevelopmental Disorder. Identifiers: Orphanet 662367, MedGen C5393830, MONDO:0013656, OMIM 614255.

Submission:

Labcorp Genetics (formerly Invitae), Labcorp
Classification: Uncertain significance for Hereditary spastic paraplegia 30; Neuropathy, hereditary sensory, type 2C; Intellectual disability, autosomal dominant 9. Last evaluated: 2022-06-30. Review status: criteria provided, single submitter. Criteria: Invitae Variant Classification Sherloc (09022015). Collection method: clinical testing. Allele origin: germline.
Comment: This sequence change replaces arginine, which is basic and polar, with histidine, which is basic and polar, at codon 583 of the KIF1A protein (p.Arg583His). This variant is not present in population databases (gnomAD no frequency). This variant has not been reported in the literature in individuals affected with KIF1A-related conditions. In summary, the available evidence is currently insufficient to determine the role of this variant in disease. Therefore, it has been classified as a Variant of Uncertain Significance. ClinVar contains an entry for this variant (Variation ID: 1390847). Advanced modeling of protein sequence and biophysical properties (such as structural, functional, and spatial information, amino acid conservation, physicochemical variation, residue mobility, and thermodynamic stability) performed at Invitae indicates that this missense variant is expected to disrupt KIF1A protein function.

NM_001244008.2(KIF1A):c.1775G>A (p.Arg592His)

Gene: KIF1A (kinesin family member 1A; minus strand). Cytogenetic location: 2q37.3.
Variant type: single nucleotide variant.
Coding change: c.1775G>A on transcript NM_001244008.2 (MANE Select); coding-DNA position 1775, G replaced by A.
Protein change: p.Arg592His; replaces arginine 592 with histidine.
Molecular consequence: missense variant.
Genome position (GRCh38, 1-based): chr2:240,763,340, C>T on the plus strand (G>A on the coding strand, the complement: KIF1A is on the minus strand). VCF-style: chr2-240763340-C-T. GRCh37 (hg19) VCF-style: chr2-241702757-C-T.
Other names: c.1775G>A, p.Arg592His (NM_001320705.2, NM_001330289.2, NM_001379638.1); c.1850G>A, p.Arg617His (NM_001330290.2, NM_001379631.1, NM_001379634.1 and 2 more transcripts); c.1748G>A, p.Arg583His (NM_001379632.1, NM_001379633.1, NM_001379636.1 and 10 more transcripts); c.1823G>A, p.Arg608His (NM_001379637.1, NM_001379648.1); short protein forms R583H, R592H, R617H, R608H.
Identifiers: ClinVar variation 1390847 (VCV001390847.6), dbSNP rs2050759865, ClinGen allele CA351327313.